The following is an entry in ClinVar:

ClinVar aggregate classification (germline): Uncertain significance (1 of 4 stars; one submission).

gnomAD v4.1: 4 of 1,612,594 alleles (0.00025%); highest among the groups gnomAD compares: East Asian, 0.0022%; no homozygotes.

Submission:

Labcorp Genetics (formerly Invitae), Labcorp
Classification: Uncertain significance. Last evaluated: 2025-01-11. Review status: criteria provided, single submitter. Criteria: Invitae Variant Classification Sherloc (09022015). Collection method: clinical testing. Allele origin: germline.
Comment: This sequence change replaces alanine, which is neutral and non-polar, with valine, which is neutral and non-polar, at codon 971 of the SLC12A6 protein (p.Ala971Val). This variant is not present in population databases (gnomAD no frequency). This variant has not been reported in the literature in individuals affected with SLC12A6-related conditions. Invitae Evidence Modeling of protein sequence and biophysical properties (such as structural, functional, and spatial information, amino acid conservation, physicochemical variation, residue mobility, and thermodynamic stability) indicates that this missense variant is expected to disrupt SLC12A6 protein function with a positive predictive value of 80%. In summary, the available evidence is currently insufficient to determine the role of this variant in disease. Therefore, it has been classified as a Variant of Uncertain Significance.

NM_001365088.1(SLC12A6):c.2912C>T (p.Ala971Val)

Gene: SLC12A6 (solute carrier family 12 member 6; minus strand). Cytogenetic location: 15q14.
Variant type: single nucleotide variant.
Coding change: c.2912C>T on transcript NM_001365088.1 (MANE Select); coding-DNA position 2912, C replaced by T.
Protein change: p.Ala971Val; replaces alanine 971 with valine.
Molecular consequence: missense variant.
Genome position (GRCh38, 1-based): chr15:34,237,441, G>A on the plus strand (C>T on the coding strand, the complement: SLC12A6 is on the minus strand). VCF-style: chr15-34237441-G-A. GRCh37 (hg19) VCF-style: chr15-34529642-G-A.
Other names: c.2735C>T, p.Ala912Val (NM_001042494.2, NM_001042495.2); c.2885C>T, p.Ala962Val (NM_001042496.2); c.2867C>T, p.Ala956Val (NM_001042497.2); c.2759C>T, p.Ala920Val (NM_005135.2); c.2912C>T, p.Ala971Val (NM_133647.2); short protein forms A956V, A971V, A920V, A962V, A912V.
Identifiers: ClinVar variation 3710205 (VCV003710205.2).